The following is an entry in ClinVar:

ClinVar aggregate classification (germline): Benign. Review status: criteria provided, multiple submitters, no conflicts (2 of 4 stars). 2 submissions from 2 submitters: Benign (2). Last evaluated 2018-01-12.

Conditions:
Griscelli syndrome type 2 (GS2). Also called: GRISCELLI SYNDROME WITH HEMOPHAGOCYTIC SYNDROME; PAID SYNDROME; PARTIAL ALBINISM AND IMMUNODEFICIENCY SYNDROME. Identifiers: Orphanet 381, Orphanet 79477, MedGen C1868679, MONDO:0011872, OMIM 607624.

Allele frequency attached by ClinVar (database versions not stated): 1000 Genomes Project 0.26518; gnomAD 0.26690 and 0.27431; 1000 Genomes Project 30x 0.27108; TOPMed 0.27684.

Submissions (2):

Illumina Laboratory Services, Illumina
Classification: Benign for Griscelli syndrome type 2. Last evaluated: 2018-01-12. Review status: criteria provided, single submitter. Criteria: ICSL Variant Classification Criteria 13 December 2019. Collection method: clinical testing. Allele origin: germline.
Comment: This variant was observed in the ICSL laboratory as part of a predisposition screen in an ostensibly healthy population. It had not been previously curated by ICSL or reported in the Human Gene Mutation Database (HGMD: prior to June 1st, 2018), and was therefore a candidate for classification through an automated scoring system. Utilizing variant allele frequency, disease prevalence and penetrance estimates, and inheritance mode, an automated score was calculated to assess if this variant is too frequent to cause the disease. Based on the score and internal cut-off values, a variant classified as benign is not then subjected to further curation. The score for this variant resulted in a classification of benign for this disease.

Breakthrough Genomics
Classification: Benign. Review status: criteria provided, single submitter. Criteria: ACMG Guidelines, 2015. Collection method: not provided. Allele origin: germline. Inheritance: Autosomal recessive inheritance. Affected: yes.

NM_183235.3(RAB27A):c.*1594A>G

Gene: RAB27A (RAB27A, member RAS oncogene family; minus strand). Cytogenetic location: 15q21.3.
Variant type: single nucleotide variant.
Coding change: c.*1594A>G on transcript NM_183235.3 (MANE Select); 1594 bases downstream of the stop codon, A replaced by G.
Molecular consequence: 3 prime UTR variant.
Genome position (GRCh38, 1-based): chr15:55,203,913, T>C on the plus strand (A>G on the coding strand, the complement: RAB27A is on the minus strand). VCF-style: chr15-55203913-T-C. GRCh37 (hg19) VCF-style: chr15-55496111-T-C.
Other names: c.*1594A>G (NM_004580.5, NM_183234.3, NM_183236.3).
Identifiers: ClinVar variation 316624 (VCV000316624.6), dbSNP rs1061821, ClinGen allele CA10647179.